The following is an entry in ClinVar:

ClinVar aggregate classification (germline): Uncertain significance. Review status: criteria provided, multiple submitters, no conflicts (2 of 4 stars). 3 submissions from 3 submitters: Uncertain significance (3). Last evaluated 2024-06-01.

Conditions:
Inborn genetic diseases. Identifiers: MedGen C0950123, MeSH D030342.

Allele frequency attached by ClinVar (database versions not stated): gnomAD exomes below 0.00001; gnomAD 0.00001; TOPMed 0.00001.
gnomAD v4.1: 6 of 1,612,772 alleles (0.00037%); highest among the groups gnomAD compares: Non-Finnish European, 0.00051%; no homozygotes.

Submissions (3):

CeGaT Center for Human Genetics Tuebingen
Classification: Uncertain significance. Last evaluated: 2024-06-01. Review status: criteria provided, single submitter. Criteria: CeGaT Center For Human Genetics Tuebingen Variant Classification Criteria Version 2. Collection method: clinical testing. Allele origin: germline. Affected: yes. Observed: 1 variant allele.
Comment: ASPM: PM2, PM3

Ambry Genetics
Classification: Uncertain significance for Inborn genetic diseases. Last evaluated: 2023-12-20. Review status: criteria provided, single submitter. Criteria: Ambry Variant Classification Scheme 2023. Collection method: clinical testing. Allele origin: germline.

Labcorp Genetics (formerly Invitae), Labcorp
Classification: Uncertain significance. Last evaluated: 2022-08-20. Review status: criteria provided, single submitter. Criteria: Invitae Variant Classification Sherloc (09022015). Collection method: clinical testing. Allele origin: germline.
Comment: This sequence change replaces tryptophan, which is neutral and slightly polar, with glycine, which is neutral and non-polar, at codon 1570 of the ASPM protein (p.Trp1570Gly). This variant is present in population databases (no rsID available, gnomAD 0.002%). This variant has not been reported in the literature in individuals affected with ASPM-related conditions. Algorithms developed to predict the effect of missense changes on protein structure and function (SIFT, PolyPhen-2, Align-GVGD) all suggest that this variant is likely to be disruptive. In summary, the available evidence is currently insufficient to determine the role of this variant in disease. Therefore, it has been classified as a Variant of Uncertain Significance.

NM_018136.5(ASPM):c.4708T>G (p.Trp1570Gly)

Gene: ASPM (assembly factor for spindle microtubules; minus strand). Cytogenetic location: 1q31.3.
Variant type: single nucleotide variant.
Coding change: c.4708T>G on transcript NM_018136.5 (MANE Select); coding-DNA position 4708, T replaced by G.
Protein change: p.Trp1570Gly; replaces tryptophan 1570 with glycine.
Molecular consequence: missense variant. On other transcripts: intron variant (1).
Genome position (GRCh38, 1-based): chr1:197,104,543, A>C on the plus strand (T>G on the coding strand, the complement: ASPM is on the minus strand). VCF-style: chr1-197104543-A-C. GRCh37 (hg19) VCF-style: chr1-197073673-A-C.
Other names: c.4708T>G (NM_018136.4); c.4066-8379T>G (NM_001206846.2); short protein forms W1570G.
Identifiers: ClinVar variation 1975702 (VCV001975702.21), dbSNP rs1318448052, ClinGen allele CA344029059.